The following is an entry in ClinVar:

NM_000238.4(KCNH2):c.2174A>C (p.Gln725Pro)

Gene: KCNH2 (potassium voltage-gated channel subfamily H member 2; minus strand). Cytogenetic location: 7q36.1.
Variant type: single nucleotide variant.
Coding change: c.2174A>C on transcript NM_000238.4 (MANE Select); coding-DNA position 2174, A replaced by C.
Protein change: p.Gln725Pro; replaces glutamine 725 with proline.
Molecular consequence: missense variant.
Genome position (GRCh38, 1-based): chr7:150,950,392, T>G on the plus strand (A>C on the coding strand, the complement: KCNH2 is on the minus strand). VCF-style: chr7-150950392-T-G. GRCh37 (hg19) VCF-style: chr7-150647480-T-G.
Other names: c.1154A>C, p.Gln385Pro (NM_001204798.2, NM_172057.3); c.1886A>C, p.Gln629Pro (NM_001406753.1, NM_001406756.1); c.1997A>C, p.Gln666Pro (NM_001406755.1); c.1874A>C, p.Gln625Pro (NM_001406757.1); c.2174A>C, p.Gln725Pro (NM_172056.3); short protein forms Q385P, Q725P, Q625P, Q629P, Q666P.
Identifiers: ClinVar variation 1353392 (VCV001353392.7), dbSNP rs1401141040, ClinGen allele CA369856668.
Genomic context (GRCh38, chr7:150,950,392, plus strand): 5'-CCTCGGAAGGGTTTGCAGTGCTGCAGCAGTGAGCGGTTCAGGTGCAGGCAGATGTCAGCC[T>G]GCAGGCACTCAGGGAAGCCCTTCAGCACCTGGGGGCAGGGTGGGGGCAGCTCAGCACACC-3'
Protein context (NP_000229.1, residues 715-735): AVLKGFPECL[Gln725Pro]ADICLHLNRS

ClinVar aggregate classification (germline): Uncertain significance (1 of 4 stars; one submission).

Conditions:
Long QT syndrome (LQTS). Identifiers: MedGen C0023976, MeSH D008133, MONDO:0002442. Disease mechanism: loss of function. Inheritance: Various modes of inheritance.

Submission:

Labcorp Genetics (formerly Invitae), Labcorp
Classification: Uncertain significance for Long QT syndrome. Last evaluated: 2022-04-30. Review status: criteria provided, single submitter. Criteria: Invitae Variant Classification Sherloc (09022015). Collection method: clinical testing. Allele origin: germline.
Comment: This sequence change replaces glutamine, which is neutral and polar, with proline, which is neutral and non-polar, at codon 725 of the KCNH2 protein (p.Gln725Pro). This variant is not present in population databases (gnomAD no frequency). In summary, the available evidence is currently insufficient to determine the role of this variant in disease. Therefore, it has been classified as a Variant of Uncertain Significance. Algorithms developed to predict the effect of missense changes on protein structure and function are either unavailable or do not agree on the potential impact of this missense change (SIFT: "Deleterious"; PolyPhen-2: "Probably Damaging"; Align-GVGD: "Class C0"). This missense change has been observed in individual(s) with clinical features of long QT syndrome (Invitae). It has also been observed to segregate with disease in related individuals.